The following is an entry in ClinVar:

ClinVar aggregate classification (germline): Uncertain significance. Review status: criteria provided, multiple submitters, no conflicts (2 of 4 stars). 3 submissions from 3 submitters: Uncertain significance (3). Last evaluated 2022-09-05.

Conditions:
Cardiovascular phenotype. Identifiers: MedGen CN230736.
Noonan syndrome 9 (NS9). Identifiers: Orphanet 648, MedGen C4225282, MONDO:0014691, OMIM 616559.

Allele frequency attached by ClinVar (database versions not stated): gnomAD exomes 0.00001.
gnomAD v4.1: 10 of 1,614,188 alleles (0.00062%); highest among the groups gnomAD compares: Non-Finnish European, 0.00076%; no homozygotes.

Submissions (3):

Ambry Genetics
Classification: Uncertain significance for Cardiovascular phenotype. Last evaluated: 2022-09-05. Review status: criteria provided, single submitter. Criteria: Ambry Variant Classification Scheme 2023. Collection method: clinical testing. Allele origin: germline.
Comment: The p.N440K variant (also known as c.1320T>A), located in coding exon 10 of the SOS2 gene, results from a T to A substitution at nucleotide position 1320. The asparagine at codon 440 is replaced by lysine, an amino acid with similar properties. This amino acid position is conserved. In addition, the in silico prediction for this alteration is inconclusive. Since supporting evidence is limited at this time, the clinical significance of this alteration remains unclear.

Labcorp Genetics (formerly Invitae), Labcorp
Classification: Uncertain significance for Noonan syndrome 9. Last evaluated: 2020-01-27. Review status: criteria provided, single submitter. Criteria: Invitae Variant Classification Sherloc (09022015). Collection method: clinical testing. Allele origin: germline.
Comment: In summary, the available evidence is currently insufficient to determine the role of this variant in disease. Therefore, it has been classified as a Variant of Uncertain Significance. Algorithms developed to predict the effect of missense changes on protein structure and function are either unavailable or do not agree on the potential impact of this missense change (SIFT: "Deleterious"; PolyPhen-2: "Benign"; Align-GVGD: "Class C25"). This variant has not been reported in the literature in individuals with SOS2-related conditions. This variant is not present in population databases (ExAC no frequency). This sequence change replaces asparagine with lysine at codon 440 of the SOS2 protein (p.Asn440Lys). The asparagine residue is highly conserved and there is a moderate physicochemical difference between asparagine and lysine.

Genome-Nilou Lab
Classification: Uncertain significance for Noonan syndrome 9. Review status: criteria provided, single submitter. Criteria: ACMG Guidelines, 2015. Collection method: clinical testing. Allele origin: germline.

NM_006939.4(SOS2):c.1320T>A (p.Asn440Lys)

Gene: SOS2 (SOS Ras/Rho guanine nucleotide exchange factor 2; minus strand). Cytogenetic location: 14q21.3.
Variant type: single nucleotide variant.
Coding change: c.1320T>A on transcript NM_006939.4 (MANE Select); coding-DNA position 1320, T replaced by A.
Protein change: p.Asn440Lys; replaces asparagine 440 with lysine.
Molecular consequence: missense variant.
Genome position (GRCh38, 1-based): chr14:50,159,963, A>T on the plus strand (T>A on the coding strand, the complement: SOS2 is on the minus strand). VCF-style: chr14-50159963-A-T. GRCh37 (hg19) VCF-style: chr14-50626681-A-T.
Other names: short protein forms N440K.
Identifiers: ClinVar variation 864479 (VCV000864479.12), dbSNP rs1884941722, ClinGen allele CA389646055.
Genomic context (GRCh38, chr14:50,159,963, plus strand): 5'-AAAAATATGCCGTTCATGTTTGGCACCGATTCTTGTCAATGGTCCCTCCATAATGAATTC[A>T]TTACAACACTGTCCAATATCTTTGCCTTCCCATCCATCGATATTTTTCTGAATTTCATTC-3'
Protein context (NP_008870.2, residues 430-450): WEGKDIGQCC[Asn440Lys]EFIMEGPLTR